The following is an entry in ClinVar:

NM_130384.3(ATRIP):c.112T>G (p.Ser38Ala)

Genes: ATRIP (ATR interacting protein; plus strand), ATRIP-TREX1 (ATRIP-TREX1 readthrough; plus strand), LOC129936703 (ATAC-STARR-seq lymphoblastoid silent region 14331; plus strand). Cytogenetic location: 3p21.31.
Variant type: single nucleotide variant.
Coding change: c.112T>G on transcript NM_130384.3 (MANE Select); coding-DNA position 112, T replaced by G.
Protein change: p.Ser38Ala; replaces serine 38 with alanine.
Molecular consequence: missense variant. On other transcripts: non-coding transcript variant (1), intron variant (1).
Genome position (GRCh38, 1-based): chr3:48,446,957, T>G. VCF-style: chr3-48446957-T-G. GRCh37 (hg19) VCF-style: chr3-48488361-T-G.
Other names: c.112T>G, p.Ser38Ala (NM_032166.4); c.-218+158T>G (NM_001271022.2); short protein forms S38A.
Identifiers: ClinVar variation 3977146 (VCV003977146.1).

ClinVar aggregate classification (germline): Uncertain significance (1 of 4 stars; one submission).

gnomAD v4.1: 1 of 1,537,956 alleles (0.000065%); highest among the groups gnomAD compares: Non-Finnish European, 0.000087%; no homozygotes.

Submission:

Ambry Genetics
Classification: Uncertain significance. Last evaluated: 2025-06-09. Review status: criteria provided, single submitter. Criteria: Ambry Variant Classification Scheme 2023. Collection method: clinical testing. Allele origin: germline.
Comment: The p.S38A variant (also known as c.112T>G), located in coding exon 1 of the ATRIP gene, results from a T to G substitution at nucleotide position 112. The serine at codon 38 is replaced by alanine, an amino acid with similar properties. This amino acid position is conserved. In addition, this alteration is predicted to be tolerated by in silico analysis. Based on the available evidence, the clinical significance of this variant remains unclear.